The following is an entry in ClinVar:

NM_004360.5(CDH1):c.1979T>C (p.Val660Ala)

Gene: CDH1 (cadherin 1; plus strand). Cytogenetic location: 16q22.1.
Variant type: single nucleotide variant.
Coding change: c.1979T>C on transcript NM_004360.5 (MANE Select); coding-DNA position 1979, T replaced by C.
Protein change: p.Val660Ala; replaces valine 660 with alanine.
Molecular consequence: missense variant.
Genome position (GRCh38, 1-based): chr16:68,823,441, T>C. VCF-style: chr16-68823441-T-C. GRCh37 (hg19) VCF-style: chr16-68857344-T-C.
Other names: c.1979T>C (LRG_301t1); c.1796T>C, p.Val599Ala (NM_001317184.2); c.431T>C, p.Val144Ala (NM_001317185.2); c.14T>C, p.Val5Ala (NM_001317186.2); short protein forms V660A, V599A, V144A, V5A.
Identifiers: ClinVar variation 481696 (VCV000481696.20), dbSNP rs1555517090, ClinGen allele CA396467590.
Genomic context (GRCh38, chr16:68,823,441, plus strand): 5'-TTTTATTGCTTTCTCCAGCCCAAGAATCTATCATTTTGAAGCCAAAGATGGCCTTAGAGG[T>C]GGGTGACTACAAAATCAATCTCAAGCTCATGGATAACCAGAATAAAGACCAAGTGACCAC-3'
Protein context (NP_004351.1, residues 650-670): IILKPKMALE[Val660Ala]GDYKINLKLM

ClinVar aggregate classification (germline): Conflicting classifications of pathogenicity. Review status: criteria provided, conflicting classifications (1 of 4 stars). 3 submissions from 3 submitters: Uncertain significance (2); Likely benign (1). Last evaluated 2026-06-02.

Conditions:
Hereditary cancer-predisposing syndrome. Also called: Tumor predisposition; Hereditary neoplastic syndrome; Neoplastic Syndromes, Hereditary; Hereditary Cancer Syndrome. Identifiers: Orphanet 140162, MedGen C0027672, MeSH D009386, MONDO:0015356.
Hereditary diffuse gastric adenocarcinoma (HDGC). Also called: DIFFUSE GASTRIC AND LOBULAR BREAST CANCER SYNDROME. Identifiers: Orphanet 26106, MedGen C1708349, MONDO:0007648, OMIM 137215.

Allele frequency attached by ClinVar (database versions not stated): gnomAD exomes below 0.00001.
gnomAD v4.1: 1 of 1,613,922 alleles (0.000062%); highest among the groups gnomAD compares: Non-Finnish European, 0.000085%; no homozygotes.

Submissions (3):

Ambry Genetics
Classification: Likely benign for Hereditary cancer-predisposing syndrome. Last evaluated: 2026-06-02. Review status: criteria provided, single submitter. Criteria: Ambry Variant Classification Scheme 2023. Collection method: clinical testing. Allele origin: germline.

Color Diagnostics, LLC DBA Color Health
Classification: Uncertain significance for Hereditary cancer-predisposing syndrome. Last evaluated: 2024-05-13. Review status: criteria provided, single submitter. Criteria: ACMG Guidelines, 2015. Collection method: clinical testing. Allele origin: germline.
Comment: This missense variant replaces valine with alanine at codon 660 of the CDH1 protein. To our knowledge, functional studies have not been reported for this variant. This variant has not been reported in individuals affected with CDH1-related disorders in the literature. This variant has not been identified in the general population by the Genome Aggregation Database (gnomAD). The available evidence is insufficient to determine the role of this variant in disease conclusively. Therefore, this variant is classified as a Variant of Uncertain Significance.

Labcorp Genetics (formerly Invitae), Labcorp
Classification: Uncertain significance for Hereditary diffuse gastric adenocarcinoma. Last evaluated: 2024-01-27. Review status: criteria provided, single submitter. Criteria: Invitae Variant Classification Sherloc (09022015). Collection method: clinical testing. Allele origin: germline.
Comment: This sequence change replaces valine, which is neutral and non-polar, with alanine, which is neutral and non-polar, at codon 660 of the CDH1 protein (p.Val660Ala). This variant is not present in population databases (gnomAD no frequency). This variant has not been reported in the literature in individuals affected with CDH1-related conditions. ClinVar contains an entry for this variant (Variation ID: 481696). An algorithm developed to predict the effect of missense changes on protein structure and function (PolyPhen-2) suggests that this variant is likely to be tolerated. In summary, the available evidence is currently insufficient to determine the role of this variant in disease. Therefore, it has been classified as a Variant of Uncertain Significance.